The following is an entry in ClinVar:

ClinVar aggregate classification (germline): Uncertain significance (1 of 4 stars; one submission).

Conditions:
Norman-Roberts syndrome (LIS2). Also called: Lissencephaly 2 (Norman-Roberts type). Identifiers: Orphanet 89844, MedGen C0796089, MONDO:0009760, OMIM 257320.
Familial temporal lobe epilepsy 7. Identifiers: Orphanet 101046, MedGen C4225327, MONDO:0014639, OMIM 616436.

Submission:

Labcorp Genetics (formerly Invitae), Labcorp
Classification: Uncertain significance for Familial temporal lobe epilepsy 7; Norman-Roberts syndrome. Last evaluated: 2019-05-14. Review status: criteria provided, single submitter. Criteria: Invitae Variant Classification Sherloc (09022015). Collection method: clinical testing. Allele origin: germline.
Comment: This variant has not been reported in the literature in individuals with RELN-related conditions. In summary, the available evidence is currently insufficient to determine the role of this variant in disease. Therefore, it has been classified as a Variant of Uncertain Significance. Algorithms developed to predict the effect of missense changes on protein structure and function are either unavailable or do not agree on the potential impact of this missense change (SIFT: "Deleterious"; PolyPhen-2: "Benign"; Align-GVGD: "Class C0"). This variant is not present in population databases (ExAC no frequency). This sequence change replaces methionine with leucine at codon 115 of the RELN protein (p.Met115Leu). The methionine residue is moderately conserved and there is a small physicochemical difference between methionine and leucine.

NM_005045.4(RELN):c.343A>C (p.Met115Leu)

Gene: RELN (reelin; minus strand). Cytogenetic location: 7q22.1.
Variant type: single nucleotide variant.
Coding change: c.343A>C on transcript NM_005045.4 (MANE Select); coding-DNA position 343, A replaced by C.
Protein change: p.Met115Leu; replaces methionine 115 with leucine.
Molecular consequence: missense variant.
Genome position (GRCh38, 1-based): chr7:103,833,667, T>G on the plus strand (A>C on the coding strand, the complement: RELN is on the minus strand). VCF-style: chr7-103833667-T-G. GRCh37 (hg19) VCF-style: chr7-103474114-T-G.
Other names: c.343A>C, p.Met115Leu (NM_173054.3); short protein forms M115L.
Identifiers: ClinVar variation 944823 (VCV000944823.9), dbSNP rs1793329222, ClinGen allele CA368930935.